The following is an entry in ClinVar:

ClinVar aggregate classification (germline): Pathogenic (1 of 4 stars; one submission).

Conditions:
Deficiency of acetyl-CoA acetyltransferase. Also called: 3-KETOTHIOLASE DEFICIENCY; 3-OXOTHIOLASE DEFICIENCY; MITOCHONDRIAL ACETOACETYL-CoA THIOLASE DEFICIENCY; Beta-ketothiolase deficiency. Identifiers: Orphanet 134, MedGen C1536500, MONDO:0008760, OMIM 203750. Disease mechanism: loss of function.

Submission:

Labcorp Genetics (formerly Invitae), Labcorp
Classification: Pathogenic for Deficiency of acetyl-CoA acetyltransferase. Last evaluated: 2023-01-05. Review status: criteria provided, single submitter. Criteria: Invitae Variant Classification Sherloc (09022015). Collection method: clinical testing. Allele origin: unknown.
Comment: For these reasons, this variant has been classified as Pathogenic. This variant disrupts a region of the ACAT1 protein in which other variant(s) (p.Phe55Ile) have been determined to be pathogenic (PMID: 34001203). This suggests that this is a clinically significant region of the protein, and that variants that disrupt it are likely to be disease-causing. This variant has not been reported in the literature in individuals affected with ACAT1-related conditions. This variant is a gross deletion of the genomic region encompassing exon(s) 2-6 of the ACAT1 gene. This variant would be expected to be in-frame, preserving the integrity of the reading frame.

Literature cited by the submitters: PubMed 34001203.

NC_000011.9:g.(?_108002614)_(108009788_?)del

Gene: ACAT1 (acetyl-CoA acetyltransferase 1; plus strand). Cytogenetic location: 11q22.3.
Variant type: Deletion.
Identifiers: ClinVar variation 3244602 (VCV003244602.1).